The following is an entry in ClinVar:

ClinVar aggregate classification (germline): Uncertain significance (1 of 4 stars; one submission).

Conditions:
Inborn genetic diseases. Identifiers: MedGen C0950123, MeSH D030342.

Submission:

Ambry Genetics
Classification: Uncertain significance for Inborn genetic diseases. Last evaluated: 2026-04-26. Review status: criteria provided, single submitter. Criteria: Ambry Variant Classification Scheme 2023. Collection method: clinical testing. Allele origin: germline.
Comment: The p.I448F variant (also known as c.1342A>T), located in coding exon 1 of the SAMD9 gene, results from an A to T substitution at nucleotide position 1342. The isoleucine at codon 448 is replaced by phenylalanine, an amino acid with highly similar properties. This amino acid position is conserved. In addition, this alteration is predicted to be tolerated by in silico analysis. Based on the available evidence, the clinical significance of this variant remains unclear.

NM_017654.4(SAMD9):c.1342A>T (p.Ile448Phe)

Gene: SAMD9 (sterile alpha motif domain containing 9; minus strand). Cytogenetic location: 7q21.2.
Variant type: single nucleotide variant.
Coding change: c.1342A>T on transcript NM_017654.4 (MANE Select); coding-DNA position 1342, A replaced by T.
Protein change: p.Ile448Phe; replaces isoleucine 448 with phenylalanine.
Molecular consequence: missense variant.
Genome position (GRCh38, 1-based): chr7:93,104,756, T>A on the plus strand (A>T on the coding strand, the complement: SAMD9 is on the minus strand). VCF-style: chr7-93104756-T-A. GRCh37 (hg19) VCF-style: chr7-92734069-T-A.
Other names: c.1342A>T, p.Ile448Phe (NM_001193307.2); short protein forms I448F.
Identifiers: ClinVar variation 4863833 (VCV004863833.1).